The following is an entry in ClinVar:

NM_003565.4(ULK1):c.1179G>T (p.Ala393=)

Gene: ULK1 (unc-51 like autophagy activating kinase 1; plus strand). Cytogenetic location: 12q24.33.
Variant type: single nucleotide variant.
Coding change: c.1179G>T on transcript NM_003565.4 (MANE Select); coding-DNA position 1179, G replaced by T.
Protein change: p.Ala393=; no amino-acid change (alanine 393 retained).
Molecular consequence: synonymous variant.
Genome position (GRCh38, 1-based): chr12:131,913,768, G>T. VCF-style: chr12-131913768-G-T. GRCh37 (hg19) VCF-style: chr12-132398313-G-T.
Identifiers: ClinVar variation 2643611 (VCV002643611.24), dbSNP rs142630747, ClinGen allele CA6882867.
Genomic context (GRCh38, chr12:131,913,768, plus strand): 5'-AAACAAAAAAATGCCCTTGGCCTCCCTTCTGCCCCACAGGAGCTCACTGGTGGCCTCTGC[G>T]GGCTTGGAGAGCCACGGCCGGACCCCATCTCCATCCCCACCCTGCAGCAGCTCCCCCAGT-3'
Protein context (NP_003556.2, residues 383-403): MCSGSSLVAS[Ala393=]GLESHGRTPS

ClinVar aggregate classification (germline): Likely benign (1 of 4 stars; one submission).

gnomAD v4.1: 27 of 1,566,126 alleles (0.0017%); highest among the groups gnomAD compares: South Asian, 0.03%; no homozygotes.

Submission:

CeGaT Center for Human Genetics Tuebingen
Classification: Likely benign. Last evaluated: 2022-03-01. Review status: criteria provided, single submitter. Criteria: CeGaT Center For Human Genetics Tuebingen Variant Classification Criteria Version 2. Collection method: clinical testing. Allele origin: germline. Affected: yes. Observed: 1 variant allele.
Comment: ULK1: BP4, BP7